The following is an entry in ClinVar:

NC_012920.1(MT-ND2):m.4494A>G

Gene: MT-ND2 (mitochondrially encoded NADH dehydrogenase 2; plus strand).
Variant type: single nucleotide variant.
Genome position: chrM-4494-A-G.
Identifiers: ClinVar variation 692449 (VCV000692449.1), dbSNP rs1603219477, ClinGen allele CA414774591.

ClinVar aggregate classification (germline): Uncertain significance (1 of 4 stars; one submission).

Conditions:
Leigh syndrome (NULS). Also called: Leigh's necrotizing encephalopathy; Leigh's disease; Leigh Syndrome (mtDNA deletion); Leigh Disease; Subacute necrotizing encephalopathy; Necrotizing encephalopathy infantile subacute of Leigh. Identifiers: Orphanet 506, MedGen C2931891, MONDO:0009723, OMIM 256000.

Submission:

Wong Mito Lab, Molecular and Human Genetics, Baylor College of Medicine
Classification: Uncertain significance for Leigh syndrome. Last evaluated: 2019-10-17. Review status: criteria provided, single submitter. Criteria: Modified ACMG Guidelines (Unpublished). Collection method: clinical testing. Allele origin: germline.
Comment: The NC_012920.1:m.4494A>G (YP_003024027.1:p.Ile9Val) variant in MTND2 gene is interpretated to be a Uncertain Significance variant based on the modified ACMG guidelines (unpublished). This variant meets the following evidence codes: BP4